The following is an entry in ClinVar:

ClinVar aggregate classification (germline): Uncertain significance. Review status: criteria provided, multiple submitters, no conflicts (2 of 4 stars). 2 submissions from 2 submitters: Uncertain significance (2). Last evaluated 2025-06-17.

Conditions:
Ellis-van Creveld syndrome (EVC). Also called: Chondroectodermal dysplasia; MESOECTODERMAL DYSPLASIA; EVC-Related Ellis-van Creveld Syndrome; EVC2-Related Ellis-van Creveld Syndrome. Identifiers: Orphanet 289, MedGen C0013903, MONDO:0009162, OMIM 225500.
Curry-Hall syndrome (WAD). Also called: WEYERS ACRODENTAL DYSOSTOSIS. Identifiers: Orphanet 952, MedGen C0457013, MONDO:0008673, OMIM 193530.
Inborn genetic diseases. Identifiers: MedGen C0950123, MeSH D030342.

gnomAD v4.1: 65 of 1,614,080 alleles (0.004%); highest among the groups gnomAD compares: South Asian, 0.033%; no homozygotes.

Submissions (2):

Ambry Genetics
Classification: Uncertain significance for Inborn genetic diseases. Last evaluated: 2025-06-17. Review status: criteria provided, single submitter. Criteria: Ambry Variant Classification Scheme 2023. Collection method: clinical testing. Allele origin: germline.

Labcorp Genetics (formerly Invitae), Labcorp
Classification: Uncertain significance for Curry-Hall syndrome; Ellis-van Creveld syndrome. Last evaluated: 2022-10-18. Review status: criteria provided, single submitter. Criteria: Invitae Variant Classification Sherloc (09022015). Collection method: clinical testing. Allele origin: germline.
Comment: This sequence change replaces arginine, which is basic and polar, with leucine, which is neutral and non-polar, at codon 766 of the EVC2 protein (p.Arg766Leu). This variant is present in population databases (rs149854557, gnomAD 0.01%). This variant has not been reported in the literature in individuals affected with EVC2-related conditions. Algorithms developed to predict the effect of missense changes on protein structure and function output the following: SIFT: "Tolerated"; PolyPhen-2: "Benign"; Align-GVGD: "Class C0". The leucine amino acid residue is found in multiple mammalian species, which suggests that this missense change does not adversely affect protein function. In summary, the available evidence is currently insufficient to determine the role of this variant in disease. Therefore, it has been classified as a Variant of Uncertain Significance.

NM_147127.5(EVC2):c.2297G>T (p.Arg766Leu)

Gene: EVC2 (EvC ciliary complex subunit 2; minus strand). Cytogenetic location: 4p16.2.
Variant type: single nucleotide variant.
Coding change: c.2297G>T on transcript NM_147127.5 (MANE Select); coding-DNA position 2297, G replaced by T.
Protein change: p.Arg766Leu; replaces arginine 766 with leucine.
Molecular consequence: missense variant.
Genome position (GRCh38, 1-based): chr4:5,622,741, C>A on the plus strand (G>T on the coding strand, the complement: EVC2 is on the minus strand). VCF-style: chr4-5622741-C-A. GRCh37 (hg19) VCF-style: chr4-5624468-C-A.
Other names: c.2057G>T, p.Arg686Leu (NM_001166136.2); c.2297G>T (NM_147127.4); short protein forms R766L, R686L.
Identifiers: ClinVar variation 2051609 (VCV002051609.2), dbSNP rs149854557, ClinGen allele CA2834757.